The following is an entry in ClinVar:

ClinVar aggregate classification (germline): Benign. Review status: criteria provided, multiple submitters, no conflicts (2 of 4 stars). 4 submissions from 4 submitters: Benign (4). Last evaluated 2026-02-04.

Conditions:
Encephalopathy, acute, infection-induced (herpes-specific), susceptibility to, 6. Also called: Herpes simplex encephalitis, susceptibility to, 4. Identifiers: Orphanet 1930, MedGen C3553869, MONDO:0013921, OMIM 614850.

Allele frequency attached by ClinVar (database versions not stated): gnomAD 0.23686 and 0.24246; gnomAD exomes 0.27421 and 0.25192; 1000 Genomes Project 0.27756; 1000 Genomes Project 30x 0.27186; ESP Exome Variant Server 0.21836; TOPMed 0.23376; ExAC 0.26879.
gnomAD v4.1: 404,905 of 1,613,854 alleles (25%); highest among the groups gnomAD compares: East Asian, 45%; 53,027 homozygotes.

Submissions (4):

Labcorp Genetics (formerly Invitae), Labcorp
Classification: Benign for Encephalopathy, acute, infection-induced (herpes-specific), susceptibility to, 6. Last evaluated: 2026-02-04. Review status: criteria provided, single submitter. Criteria: Invitae Variant Classification Sherloc (09022015). Collection method: clinical testing. Allele origin: germline.

Unidad de Genómica Garrahan, Hospital de Pediatría Garrahan
Classification: Benign. Last evaluated: 2024-01-24. Review status: criteria provided, single submitter. Criteria: ACMG Guidelines, 2015. Collection method: clinical testing. Allele origin: germline. Affected: no. Observed: 59 variant alleles.
Comment: This variant is classified as Benign based on local population frequency. This variant was detected in 62% of patients studied by a panel of primary immunodeficiencies. Number of patients: 59. Only high quality variants are reported.

Laboratory for Molecular Medicine, Mass General Brigham Personalized Medicine
Classification: Benign. Last evaluated: 2016-03-29. Review status: criteria provided, single submitter. Criteria: LMM Criteria. Collection method: clinical testing. Allele origin: germline.
Comment: Variant identified in a genome or exome case(s) and assessed due to predicted null impact of the variant or pathogenic assertions in the literature or databases. Disclaimer: This variant has not undergone full assessment. The following are preliminary notes: Frequency

Breakthrough Genomics
Classification: Benign. Review status: criteria provided, single submitter. Criteria: ACMG Guidelines, 2015. Collection method: not provided. Allele origin: germline. Inheritance: Autosomal dominant inheritance. Affected: yes.

NM_182919.4(TICAM1):c.1671C>T (p.Asp557=)

Gene: TICAM1 (TIR domain containing adaptor molecule 1; minus strand). Cytogenetic location: 19p13.3.
Variant type: single nucleotide variant.
Coding change: c.1671C>T on transcript NM_182919.4 (MANE Select); coding-DNA position 1671, C replaced by T.
Protein change: p.Asp557=; no amino-acid change (aspartic acid 557 retained).
Molecular consequence: synonymous variant.
Genome position (GRCh38, 1-based): chr19:4,816,707, G>A on the plus strand (C>T on the coding strand, the complement: TICAM1 is on the minus strand). VCF-style: chr19-4816707-G-A. GRCh37 (hg19) VCF-style: chr19-4816719-G-A.
Identifiers: ClinVar variation 403540 (VCV000403540.16), dbSNP rs2292151, ClinGen allele CA9105085.
Genomic context (GRCh38, chr19:4,816,707, plus strand): 5'-GTAGCTCTGGAGGTAGGCTGAGTAGGCTGCGTTCAGTGCCGCCGCCTGCATCCGCTCACC[G>A]TCCAGGTGTTGGCTCTGTTCCCGCAGGGCTCGGGTGTCCTGTTCCTTCCTCCACATGGCC-3'
Protein context (NP_891549.1, residues 547-567): RALREQSQHL[Asp557=]GERMQAAALN